The following is an entry in ClinVar:

NM_018122.5(DARS2):c.1A>C (p.Met1Leu)

Gene: DARS2 (aspartyl-tRNA synthetase 2, mitochondrial; plus strand). Cytogenetic location: 1q25.1.
Variant type: single nucleotide variant.
Coding change: c.1A>C on transcript NM_018122.5 (MANE Select); coding-DNA position 1, A replaced by C.
Protein change: p.Met1Leu; changes the start codon (methionine 1).
Molecular consequence: missense variant, initiator codon variant.
Genome position (GRCh38, 1-based): chr1:173,825,230, A>C. VCF-style: chr1-173825230-A-C. GRCh37 (hg19) VCF-style: chr1-173794368-A-C.
Other names: NM_001365213.2:c.1A>C; c.1A>C, p.Met1Leu (NM_001365212.1, NM_001365213.2); short protein forms M1L.
Identifiers: ClinVar variation 3776803 (VCV003776803.1).
Genomic context (GRCh38, chr1:173,825,230, plus strand): 5'-CTTTTAACTACCGGCAGCGTGGGATTTCGTGATTGTTTTTCGCCATCGTGTGGCTCCAAC[A>C]TGTACTTCCCTTCTTGGTTAAGTCAGCTGTACAGGGGTTTATCCAGACCCATCAGAAGGA-3'
Protein context (NP_060592.2, residues 1-11): [Met1Leu]YFPSWLSQLY

ClinVar aggregate classification (germline): Likely pathogenic (1 of 4 stars; one submission).

Conditions:
Leukoencephalopathy with brain stem and spinal cord involvement-high lactate syndrome (LBSL). Also called: Leukoencephalopathy with Brainstem and Spinal Cord Involvement and Lactate Elevation; MITOCHONDRIAL ASPARTYL-tRNA SYNTHETASE DEFICIENCY; LEUKOENCEPHALOPATHY WITH BRAINSTEM AND SPINAL CORD INVOLVEMENT AND LACTATE ELEVATION, MILD. Identifiers: Orphanet 137898, MedGen C1970180, MONDO:0012622, OMIM 611105.

Submission:

Broad Center for Mendelian Genomics, Broad Institute of MIT and Harvard
Classification: Likely pathogenic for Leukoencephalopathy with brain stem and spinal cord involvement-high lactate syndrome. Last evaluated: 2025-01-15. Review status: criteria provided, single submitter. Criteria: ACMG Guidelines, 2015. Collection method: curation. Allele origin: germline. Inheritance: Autosomal recessive inheritance.
Comment: The p.Met1? (c.1A>C) variant in DARS2 has been reported, in the compound heterozygous state, in 1 individual with leukoencephalopathy with brain stem and spinal cord involvement-high lactate syndrome (PMID: 33977142), segregated with disease in 1 affected relative from 1 family (PMID: 33977142), and has been identified in 0.001% (1/91070) of South Asian chromosomes by the Genome Aggregation Database (gnomAD; dbSNP rs772969180). Although this variant has been seen in the general population in a heterozygous state, its frequency is low enough to be consistent with a recessive carrier frequency. This variant is located in the first amino acid and abolishes the methionine initiation codon. The next in-frame methionine is at amino acid residue 134 and there are 16 reported pathogenic or likely pathogenic variants in ClinVar upstream of this downstream methionine. Loss of function of the DARS2 gene is an established disease mechanism in autosomal recessive leukoencephalopathy with brain stem and spinal cord involvement-high lactate syndrome. In summary, although additional studies are required to fully establish its clinical significance, this variant is likely pathogenic for autosomal recessive leukoencephalopathy with brain stem and spinal cord involvement-high lactate syndrome. ACMG/AMP Criteria applied: PM3, PVS1_moderate, PM2_supporting, PP1 (Richards 2015).